The following is an entry in ClinVar:

ClinVar aggregate classification (germline): Likely pathogenic (1 of 4 stars; one submission).

Conditions:
Developmental and epileptic encephalopathy, 1 (DEE1). Also called: INFANTILE SPASM SYNDROME, X-LINKED 1; X-linked infantile spasms; West's syndrome; Tonic spasms with clustering, arrest of psychomotor development and hypsarrhythmia on EEG; X-Linked Infantile Spasm Syndrome; OHTAHARA SYNDROME, X-LINKED. Identifiers: MedGen C3463992, MONDO:0010632, OMIM 308350. Disease mechanism: loss of function.
Autosomal recessive spinocerebellar ataxia 12. Also called: SPINOCEREBELLAR ATAXIA WITH MENTAL RETARDATION AND EPILEPSY. Identifiers: Orphanet 284282, MedGen C3280452, MONDO:0013687, OMIM 614322.

Submission:

Labcorp Genetics (formerly Invitae), Labcorp
Classification: Likely pathogenic for Developmental and epileptic encephalopathy, 1; Autosomal recessive spinocerebellar ataxia 12. Last evaluated: 2022-10-25. Review status: criteria provided, single submitter. Criteria: Invitae Variant Classification Sherloc (09022015). Collection method: clinical testing. Allele origin: germline.
Comment: In summary, the currently available evidence indicates that the variant is pathogenic, but additional data are needed to prove that conclusively. Therefore, this variant has been classified as Likely Pathogenic. This variant has not been reported in the literature in individuals affected with WWOX-related conditions. This variant results in the deletion of part of exon 4 (c.284_409+17829del) of the WWOX gene. It is expected to disrupt RNA splicing. Variants that disrupt the donor or acceptor splice site typically lead to a loss of protein function (PMID: 16199547), and loss-of-function variants in WWOX are known to be pathogenic (PMID: 24456803, 25411445).

Literature cited by the submitters: PubMed 16199547; PubMed 24456803; PubMed 25411445.

NC_000016.9:g.(?_78148926)_(78166880_?)del

Gene: WWOX (WW domain containing oxidoreductase; plus strand). Cytogenetic location: 16q23.1.
Variant type: Deletion.
Identifiers: ClinVar variation 1521012 (VCV001521012.7).